The following is an entry in ClinVar:

NM_017563.5(IL17RD):c.457A>G (p.Met153Val)

Gene: IL17RD (interleukin 17 receptor D; minus strand). Cytogenetic location: 3p14.3.
Variant type: single nucleotide variant.
Coding change: c.457A>G on transcript NM_017563.5 (MANE Select); coding-DNA position 457, A replaced by G.
Protein change: p.Met153Val; replaces methionine 153 with valine.
Molecular consequence: missense variant.
Genome position (GRCh38, 1-based): chr3:57,109,630, T>C on the plus strand (A>G on the coding strand, the complement: IL17RD is on the minus strand). VCF-style: chr3-57109630-T-C. GRCh37 (hg19) VCF-style: chr3-57143658-T-C.
Other names: c.25A>G, p.Met9Val (NM_001318864.2); short protein forms M9V, M153V.
Identifiers: ClinVar variation 4770379 (VCV004770379.1).
Genomic context (GRCh38, chr3:57,109,630, plus strand): 5'-TTTCGTTTTTAATGGAAGGAAAAGGGACAACCTTTACGAAATAATCCGTTTCAAATTTCA[T>C]ATTCAGGAAAGGTTGAGATTCCATTCCCTAAAAGGGAACAAAAACACAGTGACATCATGG-3'
Protein context (NP_060033.3, residues 143-163): TGMESQPFLN[Met153Val]KFETDYFVKV

ClinVar aggregate classification (germline): Uncertain significance (1 of 4 stars; one submission).

Submission:

Labcorp Genetics (formerly Invitae), Labcorp
Classification: Uncertain significance. Last evaluated: 2025-09-09. Review status: criteria provided, single submitter. Criteria: Invitae Variant Classification Sherloc (09022015). Collection method: clinical testing. Allele origin: germline.
Comment: This sequence change replaces methionine, which is neutral and non-polar, with valine, which is neutral and non-polar, at codon 153 of the IL17RD protein (p.Met153Val). This variant is not present in population databases (gnomAD no frequency). This variant has not been reported in the literature in individuals affected with IL17RD-related conditions. Invitae Evidence Modeling of protein sequence and biophysical properties (such as structural, functional, and spatial information, amino acid conservation, physicochemical variation, residue mobility, and thermodynamic stability) indicates that this missense variant is not expected to disrupt IL17RD protein function with a negative predictive value of 80%. In summary, the available evidence is currently insufficient to determine the role of this variant in disease. Therefore, it has been classified as a Variant of Uncertain Significance.